The following is an entry in ClinVar:

NM_000101.4(CYBA):c.470C>T (p.Pro157Leu)

Gene: CYBA (cytochrome b-245 alpha chain; minus strand). Cytogenetic location: 16q24.2.
Variant type: single nucleotide variant.
Coding change: c.470C>T on transcript NM_000101.4 (MANE Select); coding-DNA position 470, C replaced by T.
Protein change: p.Pro157Leu; replaces proline 157 with leucine.
Molecular consequence: missense variant.
Genome position (GRCh38, 1-based): chr16:88,643,471, G>A on the plus strand (C>T on the coding strand, the complement: CYBA is on the minus strand). VCF-style: chr16-88643471-G-A. GRCh37 (hg19) VCF-style: chr16-88709879-G-A.
Other names: short protein forms P157L.
Identifiers: ClinVar variation 3707245 (VCV003707245.2).

ClinVar aggregate classification (germline): Uncertain significance (1 of 4 stars; one submission).

Conditions:
Granulomatous disease, chronic, autosomal recessive, cytochrome b-negative. Also called: GRANULOMATOUS DISEASE, CHRONIC, AUTOSOMAL RECESSIVE, 4; Chronic granulomatous disease, autosomal, due to deficiency of CYBA; CGD DUE TO DEFICIENCY OF THE ALPHA SUBUNIT OF CYTOCHROME b; CGD, AUTOSOMAL RECESSIVE CYTOCHROME b-NEGATIVE; CYBA DEFICIENCY. Identifiers: Orphanet 379, MedGen C1856255, MONDO:0009308, OMIM 233690.

Submission:

Labcorp Genetics (formerly Invitae), Labcorp
Classification: Uncertain significance for Granulomatous disease, chronic, autosomal recessive, cytochrome b-negative. Last evaluated: 2024-06-05. Review status: criteria provided, single submitter. Criteria: Invitae Variant Classification Sherloc (09022015). Collection method: clinical testing. Allele origin: germline.
Comment: This sequence change replaces proline, which is neutral and non-polar, with leucine, which is neutral and non-polar, at codon 157 of the CYBA protein (p.Pro157Leu). This variant is not present in population databases (gnomAD no frequency). This variant has not been reported in the literature in individuals affected with CYBA-related conditions. An algorithm developed to predict the effect of missense changes on protein structure and function (PolyPhen-2) suggests that this variant is likely to be disruptive. In summary, the available evidence is currently insufficient to determine the role of this variant in disease. Therefore, it has been classified as a Variant of Uncertain Significance.